The following is an entry in ClinVar:

ClinVar aggregate classification (germline): Uncertain significance (1 of 4 stars; one submission).

Conditions:
BBIP1-related disorder. Also called: BBIP1-related condition.

Submission:

PreventionGenetics, part of Exact Sciences
Classification: Uncertain significance for BBIP1-related condition. Last evaluated: 2026-08-14. Review status: criteria provided, single submitter. Criteria: ACMG Guidelines, 2015. Collection method: clinical testing. Allele origin: germline.
Comment: The BBIP1 c.163C>T variant is predicted to result in the amino acid substitution p.Leu55Phe. To our knowledge, this variant has not been reported in the literature or in a large population database (gnomAD), indicating this variant is rare. At this time, the clinical significance of this variant is uncertain due to the absence of conclusive functional and genetic evidence.

NM_001195305.3(BBIP1):c.163C>T (p.Leu55Phe)

Gene: BBIP1 (BBSome interacting protein 1; minus strand). Cytogenetic location: 10q25.2.
Variant type: single nucleotide variant.
Coding change: c.163C>T on transcript NM_001195305.3 (MANE Select); coding-DNA position 163, C replaced by T.
Protein change: p.Leu55Phe; replaces leucine 55 with phenylalanine.
Molecular consequence: missense variant. On other transcripts: 3 prime UTR variant (1).
Genome position (GRCh38, 1-based): chr10:110,900,476, G>A on the plus strand (C>T on the coding strand, the complement: BBIP1 is on the minus strand). VCF-style: chr10-110900476-G-A. GRCh37 (hg19) VCF-style: chr10-112660234-G-A.
Other names: c.*8C>T (NM_001195304.2); c.163C>T, p.Leu55Phe (NM_001195306.2); c.88C>T, p.Leu30Phe (NM_001195307.2); c.97C>T, p.Leu33Phe (NM_001243783.3); short protein forms L55F, L30F, L33F.
Identifiers: ClinVar variation 4994101 (VCV004994101.1).